The following is an entry in ClinVar:

ClinVar aggregate classification (germline): Uncertain significance. Review status: criteria provided, multiple submitters, no conflicts (2 of 4 stars). 2 submissions from 2 submitters: Uncertain significance (2). Last evaluated 2025-07-09.

Conditions:
Cardiovascular phenotype. Identifiers: MedGen CN230736.
Duchenne muscular dystrophy (DMD). Also called: Duchenne Muscular Dystrophy (DMD); MUSCULAR DYSTROPHY, PSEUDOHYPERTROPHIC PROGRESSIVE, DUCHENNE TYPE. Identifiers: Orphanet 98896, MedGen C0013264, MONDO:0010679, OMIM 310200.

Allele frequency attached by ClinVar (database versions not stated): TOPMed below 0.00001; gnomAD 0.00001.
gnomAD v4.1: 1 of 1,207,838 alleles (0.000083%); highest among the groups gnomAD compares: Admixed American, 0.0022%; no homozygotes.

Submissions (2):

Labcorp Genetics (formerly Invitae), Labcorp
Classification: Uncertain significance for Duchenne muscular dystrophy. Last evaluated: 2025-07-09. Review status: criteria provided, single submitter. Criteria: Invitae Variant Classification Sherloc (09022015). Collection method: clinical testing. Allele origin: germline.
Comment: This sequence change replaces isoleucine, which is neutral and non-polar, with methionine, which is neutral and non-polar, at codon 1695 of the DMD protein (p.Ile1695Met). This variant is not present in population databases (gnomAD no frequency). This variant has not been reported in the literature in individuals affected with DMD-related conditions. ClinVar contains an entry for this variant (Variation ID: 2626674). Invitae Evidence Modeling of protein sequence and biophysical properties (such as structural, functional, and spatial information, amino acid conservation, physicochemical variation, residue mobility, and thermodynamic stability) indicates that this missense variant is not expected to disrupt DMD protein function with a negative predictive value of 95%. In summary, the available evidence is currently insufficient to determine the role of this variant in disease. Therefore, it has been classified as a Variant of Uncertain Significance.

Ambry Genetics
Classification: Uncertain significance for Cardiovascular phenotype. Last evaluated: 2023-06-26. Review status: criteria provided, single submitter. Criteria: Ambry Variant Classification Scheme 2023. Collection method: clinical testing. Allele origin: germline.
Comment: The p.I1695M variant (also known as c.5085C>G), located in coding exon 36 of the DMD gene, results from a C to G substitution at nucleotide position 5085. The isoleucine at codon 1695 is replaced by methionine, an amino acid with highly similar properties. This amino acid position is well conserved in available vertebrate species. In addition, this alteration is predicted to be tolerated by in silico analysis. Since supporting evidence is limited at this time, the clinical significance of this alteration remains unclear.

NM_004006.3(DMD):c.5085C>G (p.Ile1695Met)

Gene: DMD (dystrophin; minus strand). Cytogenetic location: Xp21.1.
Variant type: single nucleotide variant.
Coding change: c.5085C>G on transcript NM_004006.3 (MANE Select); coding-DNA position 5085, C replaced by G.
Protein change: p.Ile1695Met; replaces isoleucine 1695 with methionine.
Molecular consequence: missense variant.
Genome position (GRCh38, 1-based): chrX:32,364,651, G>C on the plus strand (C>G on the coding strand, the complement: DMD is on the minus strand). VCF-style: chrX-32364651-G-C. GRCh37 (hg19) VCF-style: chrX-32382768-G-C.
Other names: c.5061C>G, p.Ile1687Met (NM_000109.4); c.5073C>G, p.Ile1691Met (NM_004009.3); c.4716C>G, p.Ile1572Met (NM_004010.3); c.1062C>G, p.Ile354Met (NM_004011.4); c.1053C>G, p.Ile351Met (NM_004012.4); short protein forms I1572M, I1687M, I1695M, I351M, I1691M, I354M.
Identifiers: ClinVar variation 2626674 (VCV002626674.3), dbSNP rs1213208529, ClinGen allele CA412671562.
Genomic context (GRCh38, chrX:32,364,651, plus strand): 5'-GTCTTCTTTTTGCTGGGGTTTCTTTTTCTCTGATTCATCCAAAAGTGTGTCAGCCTGAAT[G>C]ATCCACTTTGTGATGTGGTCCACATTCTGGTCAAAAGTTTCCATGTGTTTCTGGTATTCC-3'
Protein context (NP_003997.2, residues 1685-1705): DQNVDHITKW[Ile1695Met]IQADTLLDES